The following is an entry in ClinVar:

NM_004813.4(PEX16):c.307G>C (p.Val103Leu)

Gene: PEX16 (peroxisomal biogenesis factor 16; minus strand). Cytogenetic location: 11p11.2.
Variant type: single nucleotide variant.
Coding change: c.307G>C on transcript NM_004813.4 (MANE Select); coding-DNA position 307, G replaced by C.
Protein change: p.Val103Leu; replaces valine 103 with leucine.
Molecular consequence: missense variant.
Genome position (GRCh38, 1-based): chr11:45,915,755, C>G on the plus strand (G>C on the coding strand, the complement: PEX16 is on the minus strand). VCF-style: chr11-45915755-C-G. GRCh37 (hg19) VCF-style: chr11-45937306-C-G.
Other names: c.307G>C, p.Val103Leu (NM_057174.3); short protein forms V103L.
Identifiers: ClinVar variation 863966 (VCV000863966.9), dbSNP rs11553094, ClinGen allele CA380228518.

ClinVar aggregate classification (germline): Uncertain significance (1 of 4 stars; one submission).

Conditions:
Peroxisome biogenesis disorder. Identifiers: Orphanet 79189, MedGen C1832200, MONDO:0019234. Disease mechanism: loss of function.

Allele frequency attached by ClinVar (database versions not stated): TOPMed 0.00001.
gnomAD v4.1: 4 of 1,613,956 alleles (0.00025%); highest among the groups gnomAD compares: Non-Finnish European, 0.00034%; no homozygotes.

Submission:

Labcorp Genetics (formerly Invitae), Labcorp
Classification: Uncertain significance for Peroxisome biogenesis disorder. Last evaluated: 2025-01-13. Review status: criteria provided, single submitter. Criteria: Invitae Variant Classification Sherloc (09022015). Collection method: clinical testing. Allele origin: germline.
Comment: This sequence change replaces valine, which is neutral and non-polar, with leucine, which is neutral and non-polar, at codon 103 of the PEX16 protein (p.Val103Leu). This variant is not present in population databases (gnomAD no frequency). This variant has not been reported in the literature in individuals affected with PEX16-related conditions. ClinVar contains an entry for this variant (Variation ID: 863966). Invitae Evidence Modeling of protein sequence and biophysical properties (such as structural, functional, and spatial information, amino acid conservation, physicochemical variation, residue mobility, and thermodynamic stability) indicates that this missense variant is not expected to disrupt PEX16 protein function with a negative predictive value of 80%. In summary, the available evidence is currently insufficient to determine the role of this variant in disease. Therefore, it has been classified as a Variant of Uncertain Significance.